The following is an entry in ClinVar:

ClinVar aggregate classification (germline): Uncertain significance (1 of 4 stars; one submission).

Allele frequency attached by ClinVar (database versions not stated): gnomAD exomes below 0.00001; ExAC 0.00001; ESP Exome Variant Server 0.00008.

Submission:

Labcorp Genetics (formerly Invitae), Labcorp
Classification: Uncertain significance. Last evaluated: 2022-09-17. Review status: criteria provided, single submitter. Criteria: Invitae Variant Classification Sherloc (09022015). Collection method: clinical testing. Allele origin: germline.
Comment: This sequence change replaces aspartic acid, which is acidic and polar, with asparagine, which is neutral and polar, at codon 130 of the PRDM13 protein (p.Asp130Asn). In summary, the available evidence is currently insufficient to determine the role of this variant in disease. Therefore, it has been classified as a Variant of Uncertain Significance. Algorithms developed to predict the effect of missense changes on protein structure and function are either unavailable or do not agree on the potential impact of this missense change (SIFT: "Deleterious"; PolyPhen-2: "Possibly Damaging"; Align-GVGD: "Class C15"). This variant has not been reported in the literature in individuals affected with PRDM13-related conditions. This variant is present in population databases (rs370915941, gnomAD 0.003%).

NM_021620.4(PRDM13):c.388G>A (p.Asp130Asn)

Gene: PRDM13 (PR/SET domain 13; plus strand). Cytogenetic location: 6q16.2.
Variant type: single nucleotide variant.
Coding change: c.388G>A on transcript NM_021620.4 (MANE Select); coding-DNA position 388, G replaced by A.
Protein change: p.Asp130Asn; replaces aspartic acid 130 with asparagine.
Molecular consequence: missense variant.
Genome position (GRCh38, 1-based): chr6:99,609,298, G>A. VCF-style: chr6-99609298-G-A. GRCh37 (hg19) VCF-style: chr6-100057174-G-A.
Other names: short protein forms D130N.
Identifiers: ClinVar variation 2064911 (VCV002064911.4), dbSNP rs370915941, ClinGen allele CA3936186.
Genomic context (GRCh38, chr6:99,609,298, plus strand): 5'-TGGTATTCTAACTCCTTGGCTCAGTGGTTCGACATCCCCACCACAGCGACTCCGACTCAC[G>A]ACGAGAAAGGTACCCATTCCAAAAGCGTGGATGGGCAAAAGTCCAGCCCTCCTCCTCCTG-3'
Protein context (NP_067633.2, residues 120-140): DIPTTATPTH[Asp130Asn]EKGEERYICW